The following is an entry in ClinVar:

NM_000255.4(MMUT):c.2213A>G (p.Asp738Gly)

Gene: MMUT (methylmalonyl-CoA mutase; minus strand). Cytogenetic location: 6p12.3.
Variant type: single nucleotide variant.
Coding change: c.2213A>G on transcript NM_000255.4 (MANE Select); coding-DNA position 2213, A replaced by G.
Protein change: p.Asp738Gly; replaces aspartic acid 738 with glycine.
Molecular consequence: missense variant.
Genome position (GRCh38, 1-based): chr6:49,431,768, T>C on the plus strand (A>G on the coding strand, the complement: MMUT is on the minus strand). VCF-style: chr6-49431768-T-C. GRCh37 (hg19) VCF-style: chr6-49399481-T-C.
Other names: short protein forms D738G.
Identifiers: ClinVar variation 1339243 (VCV001339243.2), dbSNP rs2127412055, ClinGen allele CA364582911.

ClinVar aggregate classification (germline): Uncertain significance (1 of 4 stars; one submission).

Conditions:
Methylmalonic aciduria due to methylmalonyl-CoA mutase deficiency (MAMM). Also called: Methylmalonic aciduria, mut type. Identifiers: Orphanet 27, MedGen C1855114, MONDO:0009612, OMIM 251000.

Submission:

Neuberg Centre For Genomic Medicine, NCGM
Classification: Uncertain significance for Methylmalonic aciduria due to methylmalonyl-CoA mutase deficiency. Review status: criteria provided, single submitter. Criteria: ACMG Guidelines, 2015. Collection method: clinical testing. Allele origin: germline. Affected: yes.
Comment: The missense variant p.D738G in MUT (NM_000255.4) has not been reported previously as a pathogenic variant nor as a benign variant, to our knowledge. The p.D738G variant is novel (not in any individuals) in gnomAD Exomes and is novel (not in any individuals) in 1000 Genomes. In-silico tools predict are contradictory in their predictions (SIFT-damaging, Polyphen-2-Tolerated) and the residue is conserved across species. For these reasons, this variant has been classified as Uncertain Significance.